The following is an entry in ClinVar:

ClinVar aggregate classification (germline): Uncertain significance (1 of 4 stars; one submission).

Conditions:
Gorlin syndrome. Also called: Nevoid Basal Cell Carcinoma Syndrome; Basal cell nevus syndrome. Identifiers: Orphanet 377, MedGen C0004779, MONDO:0007187.

Submission:

Labcorp Genetics (formerly Invitae), Labcorp
Classification: Uncertain significance for Gorlin syndrome. Last evaluated: 2023-06-09. Review status: criteria provided, single submitter. Criteria: Invitae Variant Classification Sherloc (09022015). Collection method: clinical testing. Allele origin: germline.
Comment: This variant is not present in population databases (gnomAD no frequency). In summary, the available evidence is currently insufficient to determine the role of this variant in disease. Therefore, it has been classified as a Variant of Uncertain Significance. Advanced modeling of protein sequence and biophysical properties (such as structural, functional, and spatial information, amino acid conservation, physicochemical variation, residue mobility, and thermodynamic stability) performed at Invitae indicates that this missense variant is not expected to disrupt PTCH1 protein function. This variant has not been reported in the literature in individuals affected with PTCH1-related conditions. This sequence change replaces valine, which is neutral and non-polar, with leucine, which is neutral and non-polar, at codon 781 of the PTCH1 protein (p.Val781Leu).

NM_000264.5(PTCH1):c.2341G>C (p.Val781Leu)

Genes: PTCH1 (patched 1; minus strand), LOC100507346 (uncharacterized LOC100507346; plus strand). Cytogenetic location: 9q22.32.
Variant type: single nucleotide variant.
Coding change: c.2341G>C on transcript NM_000264.5 (MANE Select); coding-DNA position 2341, G replaced by C.
Protein change: p.Val781Leu; replaces valine 781 with leucine.
Molecular consequence: missense variant. On other transcripts: non-coding transcript variant (1).
Genome position (GRCh38, 1-based): chr9:95,467,335, C>G on the plus strand (G>C on the coding strand, the complement: PTCH1 is on the minus strand). VCF-style: chr9-95467335-C-G. GRCh37 (hg19) VCF-style: chr9-98229617-C-G.
Other names: c.2143G>C, p.Val715Leu (NM_001083602.3); c.2338G>C, p.Val780Leu (NM_001083603.3); c.1888G>C, p.Val630Leu (NM_001083604.3, NM_001083605.3, NM_001083606.3 and 1 more transcripts); c.2185G>C, p.Val729Leu (NM_001354918.2); short protein forms V715L, V630L, V780L, V729L, V781L.
Identifiers: ClinVar variation 2920568 (VCV002920568.3), dbSNP rs1391343996, ClinGen allele CA374114549.